The following is an entry in ClinVar:

ClinVar aggregate classification (germline): Uncertain significance (1 of 4 stars; one submission).

Conditions:
Hereditary cancer-predisposing syndrome. Also called: Neoplastic Syndromes, Hereditary; Tumor predisposition; Hereditary Cancer Syndrome; Hereditary neoplastic syndrome. Identifiers: Orphanet 140162, MedGen C0027672, MeSH D009386, MONDO:0015356.

Submission:

Ambry Genetics
Classification: Uncertain significance for Hereditary cancer-predisposing syndrome. Last evaluated: 2026-04-05. Review status: criteria provided, single submitter. Criteria: Ambry Variant Classification Scheme 2023. Collection method: clinical testing. Allele origin: germline.
Comment: The p.V226I variant (also known as c.676G>A), located in coding exon 3 of the TMEM127 gene, results from a G to A substitution at nucleotide position 676. The valine at codon 226 is replaced by isoleucine, an amino acid with highly similar properties. This amino acid position is conserved. In addition, this alteration is predicted to be tolerated by in silico analysis. Based on the available evidence, the clinical significance of this variant remains unclear.

NM_017849.4(TMEM127):c.676G>A (p.Val226Ile)

Gene: TMEM127 (transmembrane protein 127; minus strand). Cytogenetic location: 2q11.2.
Variant type: single nucleotide variant.
Coding change: c.676G>A on transcript NM_017849.4 (MANE Select); coding-DNA position 676, G replaced by A.
Protein change: p.Val226Ile; replaces valine 226 with isoleucine.
Molecular consequence: missense variant.
Genome position (GRCh38, 1-based): chr2:96,253,849, C>T on the plus strand (G>A on the coding strand, the complement: TMEM127 is on the minus strand). VCF-style: chr2-96253849-C-T. GRCh37 (hg19) VCF-style: chr2-96919587-C-T.
Other names: c.676G>A, p.Val226Ile (NM_001193304.3); c.424G>A, p.Val142Ile (NM_001407282.1, NM_001407283.1); short protein forms V142I, V226I.
Identifiers: ClinVar variation 4865723 (VCV004865723.1).
Genomic context (GRCh38, chr2:96,253,849, plus strand): 5'-AGAGAGCCCAGGGCTGGCATTAGGGTGTGTAAGCAGGGGGTGGCTGGAACTGGTTGATGA[C>T]CTCATATTCCGCCGGGTAGGGCTCGTTCTCTTCCATCTCTGAGAGCAGCTCCAGCGCCTG-3'
Protein context (NP_060319.1, residues 216-236): ENEPYPAEYE[Val226Ile]INQFQPPPAY